The following is an entry in ClinVar:

NM_001698.3(AUH):c.263-2A>G

Gene: AUH (AU RNA binding methylglutaconyl-CoA hydratase; minus strand). Cytogenetic location: 9q22.31.
Variant type: single nucleotide variant.
Coding change: c.263-2A>G on transcript NM_001698.3 (MANE Select); the canonical splice acceptor site of the intron before coding-DNA position 263, A replaced by G.
Molecular consequence: splice acceptor variant.
Genome position (GRCh38, 1-based): chr9:91,356,157, T>C on the plus strand (A>G on the coding strand, the complement: AUH is on the minus strand). VCF-style: chr9-91356157-T-C. GRCh37 (hg19) VCF-style: chr9-94118439-T-C.
Other names: IVS1AS, A-G, -2; c.263-2A>G (NM_001306190.2); c.-65-2A>G (NM_001351433.2, NM_001351431.2, NM_001351432.2).
Identifiers: ClinVar variation 9059 (VCV000009059.4), dbSNP rs730880311, ClinGen allele CA120089.

ClinVar aggregate classification (germline): Pathogenic. Review status: criteria provided, single submitter (1 of 4 stars). 2 submissions from 2 submitters: Pathogenic (1). 1 of the submissions does not count toward it. Last evaluated 2022-02-02.

Conditions:
3-methylglutaconic aciduria type 1 (MGCA1). Identifiers: Orphanet 67046, MedGen C0342727, MONDO:0009610, OMIM 250950.

Allele frequency attached by ClinVar (database versions not stated): gnomAD exomes below 0.00001; TOPMed below 0.00001; gnomAD 0.00001.
gnomAD v4.1: 5 of 1,613,112 alleles (0.00031%); highest among the groups gnomAD compares: East Asian, 0.0067%; no homozygotes.

Submissions (2):

Victorian Clinical Genetics Services, Murdoch Childrens Research Institute
Classification: Pathogenic for 3-methylglutaconic aciduria type 1. Last evaluated: 2022-02-02. Review status: criteria provided, single submitter. Criteria: ACMG Guidelines, 2015. Collection method: clinical testing. Allele origin: germline. Inheritance: Autosomal recessive inheritance.
Comment: Based on the classification scheme VCGS_Germline_v1.3.4, this variant is classified as Pathogenic. Following criteria are met: 0102 - Loss of function is a known mechanism of disease in this gene and is associated with 3-methylglutaconic aciduria, type I (MIM#250950). (I) 0106 - This gene is associated with autosomal recessive disease. (I) 0210 - Splice site variant proven to affect splicing of the transcript with a known effect on protein sequence. Sequencing of patient-derived RNA converted to cDNA, indicates that this variant results in exon 2 skipping. Exon 2 skipping is predicted to result in a shift in the reading frame, and production of a protein expected to undergo nonsense-mediated decay (NMD) (PMID: 16354225). (SP) 0251 - This variant is heterozygous. (I) 0304 - Variant is present in gnomAD (v3) <0.01 for a recessive condition (1 heterozygote, 0 homozygotes). (SP) 0703 - Other NMD-predicted variants comparable to the one identified in this case have moderate previous evidence for pathogenicity. These variants have been reported as pathogenic, and observed in individuals with 3-methylglutaconic aciduria, type I (PMID: 28438368, ClinVar, DECIPHER). (SP) 0803 - This variant has limited previous evidence of pathogenicity in an unrelated individual. This variant has been classified as pathogenic, and observed in a single homozygous individual with severe 3-methylglutaconic aciduria type I (PMID: 16354225). (SP) 0905 - No published segregation evidence has been identified for this variant. (I) 1001 - This variant has strong functional evidence supporting abnormal protein function. Functional studies on fibroblasts from an individual homozygous for this variant, indicated minimal enzyme activity (PMID: 16354225, PMID: 10070612). (SP) 1208 - Inheritance information for this variant is not currently available in this individual. (I) Legend: (SP) - Supporting pathogenic, (I) - Information, (SB) - Supporting benign

OMIM
Classification: Pathogenic for 3-METHYLGLUTACONIC ACIDURIA, TYPE I. Last evaluated: 2005-12-01. Review status: no assertion criteria provided. Collection method: literature only. Allele origin: germline. Not counted in ClinVar's aggregate classification.

Literature cited by the submitters: PubMed 10070612 (cited by Victorian Clinical Genetics Services, Murdoch Childrens Research Institute and OMIM); PubMed 16354225 (cited by Victorian Clinical Genetics Services, Murdoch Childrens Research Institute and OMIM); PubMed 28438368 (cited by Victorian Clinical Genetics Services, Murdoch Childrens Research Institute).